The following is an entry in ClinVar:

NM_001370.2(DNAH6):c.2290T>C (p.Tyr764His)

Gene: DNAH6 (dynein axonemal heavy chain 6; plus strand). Cytogenetic location: 2p11.2.
Variant type: single nucleotide variant.
Coding change: c.2290T>C on transcript NM_001370.2 (MANE Select); coding-DNA position 2290, T replaced by C.
Protein change: p.Tyr764His; replaces tyrosine 764 with histidine.
Molecular consequence: missense variant.
Genome position (GRCh38, 1-based): chr2:84,584,059, T>C. VCF-style: chr2-84584059-T-C. GRCh37 (hg19) VCF-style: chr2-84811183-T-C.
Other names: short protein forms Y764H.
Identifiers: ClinVar variation 3041239 (VCV003041239.2), dbSNP rs200199170, ClinGen allele CA1736927.

ClinVar aggregate classification (germline): Benign (0 of 4 stars; one submission).

Conditions:
DNAH6-related disorder. Also called: DNAH6-related condition.

Allele frequency attached by ClinVar (database versions not stated): TOPMed 0.00014; gnomAD 0.00086; gnomAD exomes 0.00160; ExAC 0.00376; 1000 Genomes Project 0.00579; 1000 Genomes Project 30x 0.00625.

Submission:

PreventionGenetics, part of Exact Sciences
Classification: Benign for DNAH6-related condition. Last evaluated: 2019-05-07. Review status: no assertion criteria provided. Collection method: clinical testing. Allele origin: germline.
Comment: This variant is classified as benign based on ACMG/AMP sequence variant interpretation guidelines (Richards et al. 2015 PMID: 25741868, with internal and published modifications).